The following is an entry in ClinVar:

ClinVar aggregate classification (germline): Uncertain significance. Review status: criteria provided, multiple submitters, no conflicts (2 of 4 stars). 2 submissions from 2 submitters: Uncertain significance (2). Last evaluated 2024-03-25.

Conditions:
Inborn genetic diseases. Identifiers: MedGen C0950123, MeSH D030342.
Progressive myoclonic epilepsy. Also called: Myoclonic Epilepsies, Progressive; Familial progressive myoclonic epilepsy; Myoclonus epilepsy; Progressive myoclonus epilepsy. Identifiers: Orphanet 308, Orphanet 98261, MedGen C0751778, MONDO:0020074.

Allele frequency attached by ClinVar (database versions not stated): ExAC 0.00001; gnomAD 0.00001; TOPMed 0.00001; gnomAD exomes 0.00002.
gnomAD v4.1: 24 of 1,614,038 alleles (0.0015%); highest among the groups gnomAD compares: African/African-American, 0.0027%; no homozygotes.

Submissions (2):

Ambry Genetics
Classification: Uncertain significance for Inborn genetic diseases. Last evaluated: 2024-03-25. Review status: criteria provided, single submitter. Criteria: Ambry Variant Classification Scheme 2023. Collection method: clinical testing. Allele origin: germline.

Labcorp Genetics (formerly Invitae), Labcorp
Classification: Uncertain significance for Progressive myoclonic epilepsy. Last evaluated: 2022-02-06. Review status: criteria provided, single submitter. Criteria: Invitae Variant Classification Sherloc (09022015). Collection method: clinical testing. Allele origin: germline.
Comment: This sequence change replaces isoleucine, which is neutral and non-polar, with threonine, which is neutral and polar, at codon 438 of the SCARB2 protein (p.Ile438Thr). This variant is present in population databases (rs760592804, gnomAD 0.003%). This variant has not been reported in the literature in individuals affected with SCARB2-related conditions. Algorithms developed to predict the effect of missense changes on protein structure and function are either unavailable or do not agree on the potential impact of this missense change (SIFT: "Tolerated"; PolyPhen-2: "Possibly Damaging"; Align-GVGD: "Class C0"). In summary, the available evidence is currently insufficient to determine the role of this variant in disease. Therefore, it has been classified as a Variant of Uncertain Significance.

NM_005506.4(SCARB2):c.1313T>C (p.Ile438Thr)

Gene: SCARB2 (scavenger receptor class B member 2; minus strand). Cytogenetic location: 4q21.1.
Variant type: single nucleotide variant.
Coding change: c.1313T>C on transcript NM_005506.4 (MANE Select); coding-DNA position 1313, T replaced by C.
Protein change: p.Ile438Thr; replaces isoleucine 438 with threonine.
Molecular consequence: missense variant.
Genome position (GRCh38, 1-based): chr4:76,163,310, A>G on the plus strand (T>C on the coding strand, the complement: SCARB2 is on the minus strand). VCF-style: chr4-76163310-A-G. GRCh37 (hg19) VCF-style: chr4-77084463-A-G.
Other names: c.884T>C, p.Ile295Thr (NM_001204255.2); c.1313T>C (NM_005506.3); short protein forms I295T, I438T.
Identifiers: ClinVar variation 1974530 (VCV001974530.3), dbSNP rs760592804, ClinGen allele CA2970121.